The following is an entry in ClinVar:

ClinVar aggregate classification (germline): Uncertain significance (1 of 4 stars; one submission).

Allele frequency attached by ClinVar (database versions not stated): gnomAD exomes 0.00001; ExAC 0.00002; gnomAD 0.00002; TOPMed 0.00002.
gnomAD v4.1: 13 of 1,613,096 alleles (0.00081%); highest among the groups gnomAD compares: East Asian, 0.0022%; no homozygotes.

Submission:

Labcorp Genetics (formerly Invitae), Labcorp
Classification: Uncertain significance. Last evaluated: 2024-04-02. Review status: criteria provided, single submitter. Criteria: Invitae Variant Classification Sherloc (09022015). Collection method: clinical testing. Allele origin: germline.
Comment: This sequence change replaces glutamic acid, which is acidic and polar, with lysine, which is basic and polar, at codon 2362 of the ACAN protein (p.Glu2362Lys). This variant is present in population databases (rs765467543, gnomAD 0.01%). This variant has not been reported in the literature in individuals affected with ACAN-related conditions. An algorithm developed to predict the effect of missense changes on protein structure and function (PolyPhen-2) suggests that this variant is likely to be disruptive. In summary, the available evidence is currently insufficient to determine the role of this variant in disease. Therefore, it has been classified as a Variant of Uncertain Significance.

NM_001369268.1(ACAN):c.7198G>A (p.Glu2400Lys)

Gene: ACAN (aggrecan; plus strand). Cytogenetic location: 15q26.1.
Variant type: single nucleotide variant.
Coding change: c.7198G>A on transcript NM_001369268.1 (MANE Select); coding-DNA position 7198, G replaced by A.
Protein change: p.Glu2400Lys; replaces glutamic acid 2400 with lysine.
Molecular consequence: missense variant.
Genome position (GRCh38, 1-based): chr15:88,871,519, G>A. VCF-style: chr15-88871519-G-A. GRCh37 (hg19) VCF-style: chr15-89414750-G-A.
Other names: c.6970G>A, p.Glu2324Lys (NM_001411096.1, NM_001135.4); c.7084G>A, p.Glu2362Lys (NM_001411097.1, NM_013227.4); short protein forms E2324K, E2362K, E2400K.
Identifiers: ClinVar variation 2908153 (VCV002908153.3), dbSNP rs765467543, ClinGen allele CA7720590.